The following is an entry in ClinVar:

NM_001267550.2(TTN):c.11312-5203_11312-5171del

Gene: TTN (titin; minus strand). Cytogenetic location: 2q31.2.
Variant type: Deletion.
Coding change: c.11312-5203_11312-5171del on transcript NM_001267550.2 (MANE Select); 5203 bases into the intron before coding-DNA position 11312 through 5171 bases into the intron before coding-DNA position 11312, 33 bases deleted.
Molecular consequence: intron variant. On other transcripts: inframe deletion (1), inframe indel (1).
Genome position (GRCh38, 1-based): chr2:178,747,092-178,747,124, 33 bases deleted; deleting any 33 consecutive bases within chr2:178,747,092-178,747,147 gives the same sequence; the c. name uses the placement nearest the transcript's 3' end. GRCh37 (hg19): chr2:179,611,842-179,611,874.
Other names: c.15276_15308del, p.5058TLERYSTPPGE[4] (NM_133379.5); c.10223-5203_10223-5171del (NM_003319.4); c.10799-5203_10799-5171del (NM_133437.4); c.10598-5203_10598-5171del (NM_133432.3); c.10360+6000_10360+6032del (NM_133378.4); c.10361-5203_10361-5171del (NM_001256850.1); c.15276_15308del33 (NM_133379.4).
Identifiers: ClinVar variation 4985186 (VCV004985186.1).

ClinVar aggregate classification (germline): Uncertain significance (1 of 4 stars; one submission).

Conditions:
TTN-related disorder. Also called: TTN-related disorders; TTN-related condition; TTN-related disease.

Submission:

PreventionGenetics, part of Exact Sciences
Classification: Uncertain significance for TTN-related condition. Last evaluated: 2025-05-01. Review status: criteria provided, single submitter. Criteria: ACMG Guidelines, 2015. Collection method: clinical testing. Allele origin: germline.
Comment: The TTN c.15276_15308del33 variant is predicted to result in an in-frame deletion (p.Thr5102_Glu5112del). To our knowledge, this variant has not been reported in the literature or in a large population database (gnomAD), indicating this variant is rare. At this time, the clinical significance of this variant is uncertain due to the absence of conclusive functional and genetic evidence.